The following is an entry in ClinVar:

NC_000017.10:g.(?_62048502)_(62050201_?)dup

Gene: SCN4A (sodium voltage-gated channel alpha subunit 4; minus strand). Cytogenetic location: 17q23.3.
Variant type: Duplication.
Identifiers: ClinVar variation 1409528 (VCV001409528.11).

ClinVar aggregate classification (germline): Uncertain significance (1 of 4 stars; one submission).

Conditions:
Hyperkalemic periodic paralysis. Also called: Familial hyperkalemic periodic paralysis; Gamstorp disease. Identifiers: Orphanet 682, MedGen C0238357, MONDO:0008224, OMIM 170500, HP:0007215.

Submission:

Labcorp Genetics (formerly Invitae), Labcorp
Classification: Uncertain significance for Hyperkalemic periodic paralysis. Last evaluated: 2022-06-04. Review status: criteria provided, single submitter. Criteria: Invitae Variant Classification Sherloc (09022015). Collection method: clinical testing. Allele origin: germline.
Comment: In summary, the available evidence is currently insufficient to determine the role of this variant in disease. Therefore, it has been classified as a Variant of Uncertain Significance. Experimental studies and prediction algorithms are not available or were not evaluated, and the functional significance of this variant is currently unknown. This variant has not been reported in the literature in individuals affected with SCN4A-related conditions. This variant results in a copy number gain of the genomic region encompassing exon(s) 1-5 of the SCN4A gene. This region includes the initiator codon of the gene. This copy number gain extends beyond the assayed region for this gene and therefore may encompass additional genes. As the precise location of this event is unknown, it may be in tandem or it may be located elsewhere in the genome.